The following is an entry in ClinVar:

NM_018060.4(IARS2):c.2483A>T (p.Asp828Val)

Gene: IARS2 (isoleucyl-tRNA synthetase 2, mitochondrial; plus strand). Cytogenetic location: 1q41.
Variant type: single nucleotide variant.
Coding change: c.2483A>T on transcript NM_018060.4 (MANE Select); coding-DNA position 2483, A replaced by T.
Protein change: p.Asp828Val; replaces aspartic acid 828 with valine.
Molecular consequence: missense variant.
Genome position (GRCh38, 1-based): chr1:220,141,871, A>T. VCF-style: chr1-220141871-A-T. GRCh37 (hg19) VCF-style: chr1-220315213-A-T.
Other names: short protein forms D828V.
Identifiers: ClinVar variation 3342657 (VCV003342657.1).

ClinVar aggregate classification (germline): Uncertain significance (1 of 4 stars; one submission).

Submission:

GeneDx
Classification: Uncertain significance. Last evaluated: 2023-10-18. Review status: criteria provided, single submitter. Criteria: GeneDx Variant Classification Process June 2021. Collection method: clinical testing. Allele origin: germline. Affected: yes.
Comment: Has not been previously published as pathogenic or benign to our knowledge; Not observed at significant frequency in large population cohorts (gnomAD); In silico analysis supports that this missense variant has a deleterious effect on protein structure/function